The following is an entry in ClinVar:

ClinVar aggregate classification (germline): Likely benign. Review status: criteria provided, multiple submitters, no conflicts (2 of 4 stars). 2 submissions from 2 submitters: Likely benign (2). Last evaluated 2023-11-01.

Conditions:
Dilated cardiomyopathy 1G (CMD1G). Identifiers: Orphanet 154, MedGen C1858763, MONDO:0011400, OMIM 604145.
Autosomal recessive limb-girdle muscular dystrophy type 2J (LGMDR10). Also called: MUSCULAR DYSTROPHY, LIMB-GIRDLE, AUTOSOMAL RECESSIVE 10; Limb-girdle muscular dystrophy, type 2J. Identifiers: Orphanet 140922, MedGen C1837342, MONDO:0012127, OMIM 608807.

Allele frequency attached by ClinVar (database versions not stated): ExAC 0.00001.
gnomAD v4.1: 4 of 1,613,146 alleles (0.00025%); highest among the groups gnomAD compares: Non-Finnish European, 0.00017%; no homozygotes.

Submissions (2):

CeGaT Center for Human Genetics Tuebingen
Classification: Likely benign. Last evaluated: 2023-11-01. Review status: criteria provided, single submitter. Criteria: CeGaT Center For Human Genetics Tuebingen Variant Classification Criteria Version 2. Collection method: clinical testing. Allele origin: germline. Affected: yes. Observed: 1 variant allele.
Comment: TTN: BP4, BP7

Labcorp Genetics (formerly Invitae), Labcorp
Classification: Likely benign for Dilated cardiomyopathy 1G; Autosomal recessive limb-girdle muscular dystrophy type 2J. Last evaluated: 2022-07-19. Review status: criteria provided, single submitter. Criteria: Invitae Variant Classification Sherloc (09022015). Collection method: clinical testing. Allele origin: germline.

NM_001267550.2(TTN):c.73146T>G (p.Thr24382=)

Genes: TTN (titin; minus strand), TTN-AS1 (TTN antisense RNA 1; plus strand). Cytogenetic location: 2q31.2.
Variant type: single nucleotide variant.
Coding change: c.73146T>G on transcript NM_001267550.2 (MANE Select); coding-DNA position 73146, T replaced by G.
Protein change: p.Thr24382=; no amino-acid change (threonine 24382 retained).
Molecular consequence: synonymous variant.
Genome position (GRCh38, 1-based): chr2:178,572,986, A>C on the plus strand (T>G on the coding strand, the complement: TTN is on the minus strand). VCF-style: chr2-178572986-A-C. GRCh37 (hg19) VCF-style: chr2-179437713-A-C.
Other names: c.68223T>G, p.Thr22741= (NM_001256850.1); c.45951T>G, p.Thr15317= (NM_003319.4); c.65442T>G, p.Thr21814= (NM_133378.4); c.46326T>G, p.Thr15442= (NM_133432.3); c.46527T>G, p.Thr15509= (NM_133437.4).
Identifiers: ClinVar variation 1140725 (VCV001140725.32), dbSNP rs372092427, ClinGen allele CA1990416.